The following is an entry in ClinVar:

NM_001128225.3(SLC39A13):c.875T>G (p.Leu292Arg)

Gene: SLC39A13 (solute carrier family 39 member 13; plus strand). Cytogenetic location: 11p11.2.
Variant type: single nucleotide variant.
Coding change: c.875T>G on transcript NM_001128225.3 (MANE Select); coding-DNA position 875, T replaced by G.
Protein change: p.Leu292Arg; replaces leucine 292 with arginine.
Molecular consequence: missense variant. On other transcripts: non-coding transcript variant (1).
Genome position (GRCh38, 1-based): chr11:47,414,865, T>G. VCF-style: chr11-47414865-T-G. GRCh37 (hg19) VCF-style: chr11-47436416-T-G.
Other names: c.875T>G, p.Leu292Arg (NM_001330245.2, NM_152264.5); short protein forms L292R.
Identifiers: ClinVar variation 2013637 (VCV002013637.4), dbSNP rs2496015142, ClinGen allele CA380314382.

ClinVar aggregate classification (germline): Uncertain significance (1 of 4 stars; one submission).

Conditions:
Ehlers-Danlos syndrome, spondylodysplastic type, 3. Also called: Ehlers-Danlos syndrome, spondylocheirodysplastic type. Identifiers: Orphanet 157965, MedGen C2676510, MONDO:0012873, OMIM 612350.

Submission:

Labcorp Genetics (formerly Invitae), Labcorp
Classification: Uncertain significance for Ehlers-Danlos syndrome, spondylodysplastic type, 3. Last evaluated: 2022-07-03. Review status: criteria provided, single submitter. Criteria: Invitae Variant Classification Sherloc (09022015). Collection method: clinical testing. Allele origin: germline.
Comment: This sequence change replaces leucine, which is neutral and non-polar, with arginine, which is basic and polar, at codon 292 of the SLC39A13 protein (p.Leu292Arg). This variant is not present in population databases (gnomAD no frequency). This variant has not been reported in the literature in individuals affected with SLC39A13-related conditions. In summary, the available evidence is currently insufficient to determine the role of this variant in disease. Therefore, it has been classified as a Variant of Uncertain Significance. Algorithms developed to predict the effect of missense changes on protein structure and function (SIFT, PolyPhen-2, Align-GVGD) all suggest that this variant is likely to be disruptive.